The following is an entry in ClinVar:

ClinVar aggregate classification (germline): Likely benign (1 of 4 stars; one submission).

Allele frequency attached by ClinVar (database versions not stated): gnomAD exomes below 0.00001.
gnomAD v4.1: 5 of 1,613,966 alleles (0.00031%); highest among the groups gnomAD compares: African/African-American, 0.0013%; no homozygotes.

Submission:

GeneDx
Classification: Likely benign. Last evaluated: 2017-02-09. Review status: criteria provided, single submitter. Criteria: GeneDx Variant Classification (06012015). Collection method: clinical testing. Allele origin: germline. Affected: yes.
Comment: This variant is considered likely benign or benign based on one or more of the following criteria: it is a conservative change, it occurs at a poorly conserved position in the protein, it is predicted to be benign by multiple in silico algorithms, and/or has population frequency not consistent with disease.

NM_014317.5(PDSS1):c.543C>T (p.Asp181=)

Gene: PDSS1 (decaprenyl diphosphate synthase subunit 1; plus strand). Cytogenetic location: 10p12.1.
Variant type: single nucleotide variant.
Coding change: c.543C>T on transcript NM_014317.5 (MANE Select); coding-DNA position 543, C replaced by T.
Protein change: p.Asp181=; no amino-acid change (aspartic acid 181 retained).
Molecular consequence: synonymous variant.
Genome position (GRCh38, 1-based): chr10:26,720,293, C>T. VCF-style: chr10-26720293-C-T. GRCh37 (hg19) VCF-style: chr10-27009222-C-T.
Other names: c.543C>T, p.Asp181= (NM_001321978.2); c.33C>T, p.Asp11= (NM_001321979.2).
Identifiers: ClinVar variation 507093 (VCV000507093.1), dbSNP rs1229415074, ClinGen allele CA468481884.
Genomic context (GRCh38, chr10:26,720,293, plus strand): 5'-CCAGCGCGCCATAGCCTTAATTGCAGAAATGATCCACACTGCTAGTCTGGTTCACGATGA[C>T]GTTATTGACGATGCAAGTTCTCGAAGAGGAAAACACACAGTTAATAAGATCTGGGGTGAA-3'
Protein context (NP_055132.2, residues 171-191): MIHTASLVHD[Asp181=]VIDDASSRRG